The following is an entry in ClinVar:

ClinVar aggregate classification (germline): Pathogenic/Likely pathogenic. Review status: criteria provided, multiple submitters, no conflicts (2 of 4 stars). 7 submissions from 7 submitters: Pathogenic (3); Likely pathogenic (3). 1 of the submissions does not count toward it. Last evaluated 2025-07-17.

Conditions:
Hearing problem. Also called: Hearing disorder. Identifiers: MedGen C0260662, MONDO:0021945.
Autosomal recessive nonsyndromic hearing loss 23. Identifiers: Orphanet 90636, MedGen C1836027, MONDO:0012293, OMIM 609533.
Usher syndrome type 1F (USH1F). Also called: USHER SYNDROME, TYPE IF. Identifiers: Orphanet 231169, Orphanet 886, MedGen C1865885, MONDO:0011186, OMIM 602083.

Submissions (7):

Natera, Inc.
Classification: Likely pathogenic for Usher syndrome type 1F. Last evaluated: 2025-07-17. Review status: criteria provided, single submitter. Criteria: Natera Variant Classification Schema (03/2026). Collection method: clinical testing. Allele origin: germline.
Comment: The c.1830_1833delTCAA variant in PCDH15 is a frameshift variant predicted to shift the reading frame beginning at codon 610 and leads to a stop codon 9 codons downstream. This variant is expected to result in nonsense mediated decay, truncation, or a dysfunctional protein product. This variant is rare in the general population with a frequency below the threshold expected for the associated phenotype(s). Given the available evidence, this variant is classified as Likely Pathogenic.

Revvity Omics, Revvity
Classification: Likely pathogenic. Last evaluated: 2024-06-11. Review status: criteria provided, single submitter. Criteria: ACMG Guidelines, 2015. Collection method: clinical testing. Allele origin: germline.

Baylor Genetics
Classification: Pathogenic for Autosomal recessive nonsyndromic hearing loss 23. Last evaluated: 2023-08-22. Review status: criteria provided, single submitter. Criteria: ACMG Guidelines, 2015. Collection method: clinical testing. Allele origin: unknown.

Labcorp Genetics (formerly Invitae), Labcorp
Classification: Pathogenic. Last evaluated: 2023-06-27. Review status: criteria provided, single submitter. Criteria: Invitae Variant Classification Sherloc (09022015). Collection method: clinical testing. Allele origin: germline.
Comment: For these reasons, this variant has been classified as Pathogenic. ClinVar contains an entry for this variant (Variation ID: 371427). This premature translational stop signal has been observed in individual(s) with deafness (PMID: 27068579). This variant is present in population databases (no rsID available, gnomAD 0.006%). This sequence change creates a premature translational stop signal (p.Asn610Lysfs*9) in the PCDH15 gene. It is expected to result in an absent or disrupted protein product. Loss-of-function variants in PCDH15 are known to be pathogenic (PMID: 11398101, 11487575, 14570705).

Broad Center for Mendelian Genomics, Broad Institute of MIT and Harvard
Classification: Likely pathogenic for Usher syndrome type 1F. Last evaluated: 2023-01-24. Review status: criteria provided, single submitter. Criteria: ACMG Guidelines, 2015. Collection method: curation. Allele origin: germline. Inheritance: Autosomal recessive inheritance.
Comment: The p.Asn610fs variant in PCDH15 has been reported in 1 individual, in the compound heterozygous state, with Usher syndrome type 1F (PMID: 27068579), and has been identified in 0.005% (1/18360) of East Asian chromosomes by the Genome Aggregation Database (gnomAD; dbSNP ID: rs1057517261). Although this variant has been seen in the general population in a heterozygous state, its frequency is low enough to be consistent with a recessive carrier frequency. This variant has also been reported in ClinVar (Variation ID#: 371427) and has been interpreted as pathogenic and likely pathogenic by Counsyl and Invitae. This variant is predicted to cause a frameshift, which alters the protein‚Äôs amino acid sequence beginning at position 610 and leads to a premature termination codon 9 amino acids downstream. This alteration is then predicted to lead to a truncated or absent protein. Loss of function of the PCDH15 gene is an established disease mechanism in autosomal recessive Usher syndrome type 1F. In summary, although additional studies are required to fully establish its clinical significance, this variant is likely pathogenic for autosomal recessive Usher syndrome type 1F. ACMG/AMP Criteria applied: PVS1, PM2 (Richards 2015).

AURAGEN, Plan France Médecine Génomique
Classification: Pathogenic for Hearing problem. Last evaluated: 2022-05-09. Review status: criteria provided, single submitter. Criteria: PFMG2025 (Lancet Reg Health Eur. 2025). Collection method: clinical testing. Allele origin: germline. Affected: yes.

Counsyl
Classification: Likely pathogenic for Usher syndrome type 1F. Last evaluated: 2016-09-22. Review status: no assertion criteria provided. Collection method: clinical testing. Allele origin: unknown. Not counted in ClinVar's aggregate classification.

Literature cited by the submitters: PubMed 27068579 (cited by Labcorp Genetics (formerly Invitae), Labcorp); PubMed 11398101 (cited by Labcorp Genetics (formerly Invitae), Labcorp); PubMed 11487575 (cited by Labcorp Genetics (formerly Invitae), Labcorp); PubMed 14570705 (cited by Labcorp Genetics (formerly Invitae), Labcorp).

NM_001384140.1(PCDH15):c.1830_1833del (p.Asn610fs)

Gene: PCDH15 (protocadherin related 15; minus strand). Cytogenetic location: 10q21.1.
Variant type: Deletion.
Coding change: c.1830_1833del on transcript NM_001384140.1 (MANE Select); coding-DNA positions 1830 to 1833, 4 bases deleted (TCAA; older notation c.1830_1833delTCAA).
Protein change: p.Asn610fs; shifts the reading frame from asparagine 610.
Molecular consequence: frameshift variant. On other transcripts: intron variant (1).
Genome position (GRCh38, 1-based): chr10:54,132,959-54,132,962, TTGA deleted on the plus strand (TCAA on the coding strand, the reverse complement: PCDH15 is on the minus strand); deleting any 4 consecutive bases within chr10:54,132,959-54,132,964 gives the same sequence; the c. name uses the placement nearest the transcript's 3' end. VCF-style (leftmost placement, unchanged base first): chr10-54132958-TTTGA-T. GRCh37 (hg19) VCF-style: chr10-55892718-TTTGA-T.
Other names: NM_001384140.1(PCDH15):c.1830_1833del; p.Asn610fs; c.1845_1848del, p.Asn615fs (NM_001142763.2, NM_001142771.2); c.1830_1833del, p.Asn610fs (NM_001142764.2, NM_001142766.2, NM_001142770.3 and 5 more transcripts); c.1719_1722del, p.Asn573fs (NM_001142767.2); c.1764_1767del, p.Asn588fs (NM_001142768.2, NM_001142773.2, NM_001354404.2); c.1864_1867delAATC, p.Asn622Lysfs (NM_001142769.4); c.1851_1854del, p.Asn617fs (NM_001354411.2); and 1 more; short protein forms N622fs, N615fs, N573fs, N588fs, N610fs, N617fs.
Identifiers: ClinVar variation 371427 (VCV000371427.12), dbSNP rs1057517261, ClinGen allele CA16041370.
Genomic context (GRCh38, chr10:54,132,958, plus strand): 5'-CAACCCTCATGGCTTCACTAATTTCAAGGCTATACATCAGCTGTGGGAAGCGAGGAGGGC[TTTGA>T]TTATTTGGTGGAAGCACTTCAATATACACAGTGCAGATGGAGTTCCTGCAGAGAAAGAGA-3'